The following is an entry in ClinVar:

ClinVar aggregate classification (germline): Pathogenic (1 of 4 stars; one submission).

Conditions:
Tyrosinemia type II (TYRSN2). Also called: KERATOSIS PALMOPLANTARIS WITH CORNEAL DYSTROPHY; OREGON TYPE TYROSINEMIA; TAT DEFICIENCY; TYROSINE AMINOTRANSFERASE DEFICIENCY; TYROSINE TRANSAMINASE DEFICIENCY. Identifiers: Orphanet 28378, MedGen C0268487, MONDO:0010160, OMIM 276600.

Submission:

Labcorp Genetics (formerly Invitae), Labcorp
Classification: Pathogenic for Tyrosinemia type II. Last evaluated: 2019-08-22. Review status: criteria provided, single submitter. Criteria: Invitae Variant Classification Sherloc (09022015). Collection method: clinical testing. Allele origin: germline.
Comment: For these reasons, this variant has been classified as Pathogenic. Loss-of-function variants in TAT are known to be pathogenic (PMID: 9544843). This variant is a gross deletion of the genomic region encompassing exons 2-10 of the TAT gene, which includes the initiator codon. The 5' end of this event is unknown as it extends beyond the assayed region for this gene and therefore may encompass additional genes. The 3' boundary is likely confined to intron 10 of the TAT gene. This is expected to result in an absent or disrupted protein product.

Literature cited by the submitters: PubMed 9544843.

NC_000016.10:g.(?_71569834)_(71576435_?)del

Gene: TAT (tyrosine aminotransferase; minus strand). Cytogenetic location: 16q22.2.
Variant type: Deletion.
Identifiers: ClinVar variation 832602 (VCV000832602.7).